The following is an entry in ClinVar:

NM_000492.4(CFTR):c.1290del (p.Phe430fs)

Genes: CFTR (CF transmembrane conductance regulator; plus strand), CFTR-AS1 (CFTR antisense RNA 1; minus strand). Cytogenetic location: 7q31.2.
Variant type: Deletion.
Coding change: c.1290del on transcript NM_000492.4 (MANE Select); coding-DNA position 1290, one base deleted (C; older notation c.1290delC).
Protein change: p.Phe430fs; shifts the reading frame from phenylalanine 430.
Molecular consequence: frameshift variant.
Genome position (GRCh38, 1-based): chr7:117,548,721, C deleted. VCF-style (leftmost placement, unchanged base first): chr7-117548720-TC-T. GRCh37 (hg19) VCF-style: chr7-117188774-TC-T.
Other names: short protein forms F430fs.
Identifiers: ClinVar variation 2112414 (VCV002112414.4), dbSNP rs2485046140, ClinGen allele CA2580076507.

ClinVar aggregate classification (germline): Pathogenic (1 of 4 stars; one submission).

Conditions:
Cystic fibrosis (CF). Also called: MUCOVISCIDOSIS. Identifiers: Orphanet 586, MedGen C0010674, MONDO:0009061, OMIM 219700. Disease mechanism: loss of function.

Submission:

Labcorp Genetics (formerly Invitae), Labcorp
Classification: Pathogenic for Cystic fibrosis. Last evaluated: 2022-06-01. Review status: criteria provided, single submitter. Criteria: Invitae Variant Classification Sherloc (09022015). Collection method: clinical testing. Allele origin: germline.
Comment: This sequence change creates a premature translational stop signal (p.Phe430Leufs*12) in the CFTR gene. It is expected to result in an absent or disrupted protein product. Loss-of-function variants in CFTR are known to be pathogenic (PMID: 1695717, 7691345, 9725922). This variant is not present in population databases (gnomAD no frequency). For these reasons, this variant has been classified as Pathogenic. Algorithms developed to predict the effect of sequence changes on RNA splicing suggest that this variant may disrupt the consensus splice site. This variant has not been reported in the literature in individuals affected with CFTR-related conditions.

Literature cited by the submitters: PubMed 1695717; PubMed 7691345; PubMed 9725922.